The following is an entry in ClinVar:

ClinVar aggregate classification (germline): Conflicting classifications of pathogenicity. Review status: criteria provided, conflicting classifications (1 of 4 stars). 2 submissions from 2 submitters: Uncertain significance (1); Likely benign (1). Last evaluated 2025-03-04.

Submissions (2):

Center for Genomic Medicine, Rigshospitalet, Copenhagen University Hospital
Classification: Likely benign. Last evaluated: 2025-03-04. Review status: criteria provided, single submitter. Criteria: ACMG Guidelines, 2015. Collection method: clinical testing. Allele origin: germline.

Labcorp Genetics (formerly Invitae), Labcorp
Classification: Uncertain significance. Last evaluated: 2022-09-26. Review status: criteria provided, single submitter. Criteria: Invitae Variant Classification Sherloc (09022015). Collection method: clinical testing. Allele origin: germline.
Comment: This sequence change falls in intron 1 of the NTHL1 gene. It does not directly change the encoded amino acid sequence of the NTHL1 protein. It affects a nucleotide within the consensus splice site. This variant is not present in population databases (gnomAD no frequency). This variant has not been reported in the literature in individuals affected with NTHL1-related conditions. Variants that disrupt the consensus splice site are a relatively common cause of aberrant splicing (PMID: 17576681, 9536098). Algorithms developed to predict the effect of sequence changes on RNA splicing suggest that this variant is not likely to affect RNA splicing. In summary, the available evidence is currently insufficient to determine the role of this variant in disease. Therefore, it has been classified as a Variant of Uncertain Significance.

Literature cited by the submitters: PubMed 17576681 (cited by Labcorp Genetics (formerly Invitae), Labcorp); PubMed 9536098 (cited by Labcorp Genetics (formerly Invitae), Labcorp).

NM_002528.7(NTHL1):c.115+6G>T

Gene: NTHL1 (nth like DNA glycosylase 1; minus strand). Cytogenetic location: 16p13.3.
Variant type: single nucleotide variant.
Coding change: c.115+6G>T on transcript NM_002528.7 (MANE Select); 6 bases into the intron after coding-DNA position 115, G replaced by T.
Molecular consequence: intron variant.
Genome position (GRCh38, 1-based): chr16:2,047,703, C>A on the plus strand (G>T on the coding strand, the complement: NTHL1 is on the minus strand). VCF-style: chr16-2047703-C-A. GRCh37 (hg19) VCF-style: chr16-2097704-C-A.
Other names: c.-64+6G>T (NM_001318194.2); c.115+6G>T (NM_001318193.2).
Identifiers: ClinVar variation 2032653 (VCV002032653.6), dbSNP rs1036098566, ClinGen allele CA2580090657.